The following is an entry in ClinVar:

ClinVar aggregate classification (germline): Likely benign (1 of 4 stars; one submission).

Submission:

CeGaT Center for Human Genetics Tuebingen
Classification: Likely benign. Last evaluated: 2023-11-01. Review status: criteria provided, single submitter. Criteria: CeGaT Center For Human Genetics Tuebingen Variant Classification Criteria Version 2. Collection method: clinical testing. Allele origin: germline. Affected: yes. Observed: 1 variant allele.
Comment: SPDYE2B: BP4

NM_001166339.2(SPDYE2B):c.321G>A (p.Lys107=)

Genes: POLR2J2-UPK3BL1 (POLR2J2-UPK3BL1 readthrough; minus strand), SPDYE2B (speedy/RINGO cell cycle regulator family member E2B; plus strand). Cytogenetic location: 7q22.1.
Variant type: single nucleotide variant.
Coding change: c.321G>A on transcript NM_001166339.2 (MANE Select); coding-DNA position 321, G replaced by A.
Protein change: p.Lys107=; no amino-acid change (lysine 107 retained).
Molecular consequence: synonymous variant.
Genome position (GRCh38, 1-based): chr7:102,653,611, G>A. VCF-style: chr7-102653611-G-A. GRCh37 (hg19) VCF-style: chr7-102294058-G-A.
Identifiers: ClinVar variation 2673123 (VCV002673123.23), dbSNP rs879361831, ClinGen allele CA163825517.
Genomic context (GRCh38, chr7:102,653,611, plus strand): 5'-CCCTGAGCCTGAGGAGACCTGGGTAGTGGAGATGCTGTGTGGGCTCAAGATGAAGCTGAA[G>A]CAACAGCGAGTGTCATCCATCCTCCCTGAGCACCACAAGGACTTCAACAGTCAGCTTGGT-3'
Protein context (NP_001159811.1, residues 97-117): EMLCGLKMKL[Lys107=]QQRVSSILPE